The following is an entry in ClinVar:

ClinVar aggregate classification (germline): Conflicting classifications of pathogenicity. Review status: criteria provided, conflicting classifications (1 of 4 stars). 12 submissions from 11 submitters: Uncertain significance (4); Likely benign (6). 2 of the submissions do not count toward it. Last evaluated 2026-01-12.

Conditions:
MYH11-related disorder. Also called: MYH11-related condition.
Cardiovascular phenotype. Identifiers: MedGen CN230736.
Familial thoracic aortic aneurysm and aortic dissection (TAAD). Also called: Thoracic aortic aneurysms and dissections. Identifiers: Orphanet 91387, MedGen C4707243, MONDO:0019625.
Aortic aneurysm, familial thoracic 4 (AAT4). Also called: AORTIC ANEURYSM/AORTIC DISSECTION AND PATENT DUCTUS ARTERIOSUS. Identifiers: MedGen C1851504, MONDO:0007568, OMIM 132900.
Marfan syndrome (MFS). Also called: Marfan syndrome type 1; Marfan's syndrome; Marfan syndrome, classic; MARFAN SYNDROME, TYPE I; FBN1-Related Marfan Syndrome. Identifiers: Orphanet 284963, Orphanet 558, MedGen C0024796, MONDO:0007947, OMIM 154700.

Allele frequency attached by ClinVar (database versions not stated): gnomAD exomes 0.00010 and 0.00018; ExAC 0.00012; TOPMed 0.00013; gnomAD 0.00016; ESP Exome Variant Server 0.00031.
gnomAD v4.1: 294 of 1,612,160 alleles (0.018%); highest among the groups gnomAD compares: Non-Finnish European, 0.023%; no homozygotes.

Submissions (12):

Labcorp Genetics (formerly Invitae), Labcorp
Classification: Likely benign for Aortic aneurysm, familial thoracic 4. Last evaluated: 2026-01-12. Review status: criteria provided, single submitter. Criteria: Invitae Variant Classification Sherloc (09022015). Collection method: clinical testing. Allele origin: germline.

CeGaT Center for Human Genetics Tuebingen
Classification: Likely benign. Last evaluated: 2025-10-01. Review status: criteria provided, single submitter. Criteria: CeGaT Center For Human Genetics Tuebingen Variant Classification Criteria Version 2. Collection method: clinical testing. Allele origin: germline. Affected: yes. Observed: 1 variant allele.
Comment: MYH11: BP4, BP7

Blueprint Genetics
Classification: Likely benign. Last evaluated: 2024-01-23. Review status: criteria provided, single submitter. Criteria: ACMG Guidelines, 2015. Collection method: clinical testing. Allele origin: germline.

GeneDx
Classification: Likely benign. Last evaluated: 2023-03-19. Review status: criteria provided, single submitter. Criteria: GeneDx Variant Classification Process June 2021. Collection method: clinical testing. Allele origin: germline. Affected: yes.
Comment: See Variant Classification Assertion Criteria.

Color Diagnostics, LLC DBA Color Health
Classification: Likely benign for Familial thoracic aortic aneurysm and aortic dissection. Last evaluated: 2022-10-11. Review status: criteria provided, single submitter. Criteria: ACMG Guidelines, 2015. Collection method: clinical testing. Allele origin: germline.

CHEO Genetics Diagnostic Laboratory, Children's Hospital of Eastern Ontario
Classification: Uncertain significance for Familial thoracic aortic aneurysm and aortic dissection. Last evaluated: 2022-07-07. Review status: criteria provided, single submitter. Criteria: ACMG Guidelines, 2015. Collection method: clinical testing. Allele origin: germline.

Mayo Clinic Laboratories, Mayo Clinic
Classification: Uncertain significance. Last evaluated: 2020-06-18. Review status: criteria provided, single submitter. Criteria: ACMG Guidelines, 2015. Collection method: clinical testing. Allele origin: germline. Observed: 1 variant allele.

Ambry Genetics
Classification: Uncertain significance for Cardiovascular phenotype. Last evaluated: 2019-08-12. Review status: criteria provided, single submitter. Criteria: Ambry Autosomal Dominant and X-Linked criteria (3/2017). Collection method: clinical testing. Allele origin: germline. Observed: 1 variant allele.
Comment: The c.3291C>T variant (also known as p.A1097A), located in coding exon 24 of the MYH11 gene, results from a C to T substitution at nucleotide position 3291. This nucleotide substitution does not change the amino acid at codon 1097. This nucleotide position is well conserved in available vertebrate species. Using the BDGP and ESEfinder splice site prediction tools, this alteration is predicted to weaken the efficiency of the native splice donor site; however, direct evidence is unavailable. Since supporting evidence is limited at this time, the clinical significance of this alteration remains unclear.

Women's Health and Genetics/Laboratory Corporation of America, LabCorp
Classification: Likely benign. Last evaluated: 2019-07-22. Review status: criteria provided, single submitter. Criteria: LabCorp Variant Classification Summary - May 2015. Collection method: clinical testing. Allele origin: germline.
Comment: Variant summary: MYH11 c.3312C>T (p.Ala1104Ala) alters a nucleotide located close to a canonical splice site and therefore could affect mRNA splicing, leading to a significantly altered protein sequence. Several computational tools predict a significant impact on normal splicing: Two predict the variant abolishes a 5' splicing donor site. Three predict the variant weakens a 5' donor site. However, these predictions have yet to be confirmed by functional studies. The variant allele was found at a frequency of 9.6e-05 in 250420 control chromosomes (gnomAD). The observed variant frequency is approximately 77 fold of the estimated maximal expected allele frequency for a pathogenic variant in MYH11 causing Aortopathy phenotype (1.3e-06), strongly suggesting that the variant is benign. To our knowledge, no occurrence of c.3312C>T in individuals affected with Aortopathy and no experimental evidence demonstrating its impact on protein function have been reported. Five submitters have provided clinical-significance assessments for this variant to ClinVar after 2014 without evidence for independent evaluation (1x likely benign and 4x uncertain significance). Based on the evidence outlined above, the variant was classified as likely benign.

Ambry Genetics
Classification: Uncertain significance for Familial thoracic aortic aneurysm and aortic dissection. Last evaluated: 2015-02-02. Review status: criteria provided, single submitter. Criteria: Ambry Autosomal Dominant and X-Linked criteria (10/2015). Collection method: clinical testing. Allele origin: germline. Observed: 1 variant allele.
Comment: The c.3312C>T variant (also known as p.A1104A), located in coding exon 25, results from a C to T substitution at nucleotide position 3312 of the MYH11 gene. This nucleotide substitution does not change the amino acid at codon 1104. However, this change occurs in the third to last base pair of coding exon 25, which gives it potentialto have some effect on normal mRNA splicing.Using the BDGP and ESEfinder splice site prediction tools, this alteration is predicted to weaken the efficiency of the native splice donor site; however, direct evidence is unavailable.This variant was previously reported in the SNPDatabase as rs147605116. Based on data from the NHLBI Exome Sequencing Project (ESP), the T allele has an overall frequency of approximately 0.03% (4/12,994) of total alleles studied and 0.05% (4/8,600) ofEuropean American alleles. This nucleotide position is well conserved in available vertebrate species, but the T allele is present in African clawed frog. Since supporting evidence is limited at this time, the clinical significance of this variant remains unclear.

PreventionGenetics, part of Exact Sciences
Classification: Likely benign for MYH11-related condition. Last evaluated: 2023-09-05. Review status: no assertion criteria provided. Collection method: clinical testing. Allele origin: germline. Not counted in ClinVar's aggregate classification.
Comment: This variant is classified as likely benign based on ACMG/AMP sequence variant interpretation guidelines (Richards et al. 2015 PMID: 25741868, with internal and published modifications).

Clinical Molecular Genetics Laboratory, Johns Hopkins All Children's Hospital
Classification: Uncertain significance for Marfan syndrome. Last evaluated: 2017-04-25. Review status: no assertion criteria provided. Collection method: clinical testing. Allele origin: germline. Affected: yes. Not counted in ClinVar's aggregate classification.

NM_002474.3(MYH11):c.3291C>T (p.Ala1097=)

Gene: MYH11 (myosin heavy chain 11; minus strand). Cytogenetic location: 16p13.11.
Variant type: single nucleotide variant.
Coding change: c.3291C>T on transcript NM_002474.3 (MANE Select); coding-DNA position 3291, C replaced by T.
Protein change: p.Ala1097=; no amino-acid change (alanine 1097 retained).
Molecular consequence: synonymous variant.
Genome position (GRCh38, 1-based): chr16:15,737,451, G>A on the plus strand (C>T on the coding strand, the complement: MYH11 is on the minus strand). VCF-style: chr16-15737451-G-A. GRCh37 (hg19) VCF-style: chr16-15831308-G-A.
Other names: p.A1097A:GCC>GCT; c.3312C>T, p.Ala1104= (NM_001040113.2, NM_001040114.2); c.3291C>T, p.Ala1097= (NM_022844.3).
Identifiers: ClinVar variation 201061 (VCV000201061.40), dbSNP rs147605116, ClinGen allele CA306525.